The following is an entry in ClinVar:

ClinVar aggregate classification (germline): Uncertain significance. Review status: criteria provided, multiple submitters, no conflicts (2 of 4 stars). 2 submissions from 2 submitters: Uncertain significance (2). Last evaluated 2024-06-10.

Conditions:
Currarino triad. Identifiers: Orphanet 1552, MedGen C1531773, MONDO:0008305, OMIM 176450.

Allele frequency attached by ClinVar (database versions not stated): TOPMed 0.00002; 1000 Genomes Project 0.00020; ExAC 0.00026; 1000 Genomes Project 30x 0.00031.
gnomAD v4.1: 48 of 1,561,544 alleles (0.0031%); highest among the groups gnomAD compares: South Asian, 0.043%; no homozygotes.

Submissions (2):

Fulgent Genetics
Classification: Uncertain significance for Currarino triad. Last evaluated: 2024-06-10. Review status: criteria provided, single submitter. Criteria: ACMG Guidelines, 2015. Collection method: clinical testing. Allele origin: germline.

Labcorp Genetics (formerly Invitae), Labcorp
Classification: Uncertain significance. Last evaluated: 2024-02-17. Review status: criteria provided, single submitter. Criteria: Invitae Variant Classification Sherloc (09022015). Collection method: clinical testing. Allele origin: germline.
Comment: This sequence change replaces serine, which is neutral and polar, with leucine, which is neutral and non-polar, at codon 389 of the MNX1 protein (p.Ser389Leu). This variant is present in population databases (rs200578176, gnomAD 0.03%). This variant has not been reported in the literature in individuals affected with MNX1-related conditions. ClinVar contains an entry for this variant (Variation ID: 2084830). Algorithms developed to predict the effect of missense changes on protein structure and function output the following: SIFT: "Not Available"; PolyPhen-2: "Not Available"; Align-GVGD: "Not Available". The leucine amino acid residue is found in multiple mammalian species, which suggests that this missense change does not adversely affect protein function. In summary, the available evidence is currently insufficient to determine the role of this variant in disease. Therefore, it has been classified as a Variant of Uncertain Significance.

NM_005515.4(MNX1):c.1166C>T (p.Ser389Leu)

Gene: MNX1 (motor neuron and pancreas homeobox 1; minus strand). Cytogenetic location: 7q36.3.
Variant type: single nucleotide variant.
Coding change: c.1166C>T on transcript NM_005515.4 (MANE Select); coding-DNA position 1166, C replaced by T.
Protein change: p.Ser389Leu; replaces serine 389 with leucine.
Molecular consequence: missense variant.
Genome position (GRCh38, 1-based): chr7:157,005,560, G>A on the plus strand (C>T on the coding strand, the complement: MNX1 is on the minus strand). VCF-style: chr7-157005560-G-A. GRCh37 (hg19) VCF-style: chr7-156798254-G-A.
Other names: c.530C>T, p.Ser177Leu (NM_001165255.2); short protein forms S389L, S177L.
Identifiers: ClinVar variation 2084830 (VCV002084830.4), dbSNP rs200578176, ClinGen allele CA4589098.
Genomic context (GRCh38, chr7:157,005,560, plus strand): 5'-CCTGCTGGGCCGCGGGGCTCCTACTGGGGCGCGGGCTGGTGGCTGGGCCGCGGGGGCGGC[G>A]AGTCGTCCTCCGAGGAGCAGTCGGAGGAGGCGGCGTGGACGCTGGCGCCGTTGCTGTAGG-3'
Protein context (NP_005506.3, residues 379-399): ASSDCSSEDD[Ser389Leu]PPPRPSHQPA